The following is an entry in ClinVar:

ClinVar aggregate classification (germline): Uncertain significance. Review status: criteria provided, multiple submitters, no conflicts (2 of 4 stars). 4 submissions from 4 submitters: Uncertain significance (4). Last evaluated 2025-10-21.

Conditions:
Familial cancer of breast. Also called: hereditary breast carcinoma; BREAST CANCER, FAMILIAL; Hereditary breast cancer. Identifiers: Orphanet 227535, MedGen C0346153, MONDO:0016419, OMIM 114480. Disease mechanism: loss of function.
Hereditary cancer-predisposing syndrome. Also called: Hereditary neoplastic syndrome; Tumor predisposition; Hereditary Cancer Syndrome; Neoplastic Syndromes, Hereditary. Identifiers: Orphanet 140162, MedGen C0027672, MeSH D009386, MONDO:0015356.
Ataxia-telangiectasia syndrome (AT). Also called: Cerebello-oculocutaneous telangiectasia; Immunodeficiency with ataxia telangiectasia; Ataxia telangiectasia (A-T); Ataxia-telangiectasia, complementation group E; LOUIS-BAR SYNDROME; Ataxia-telangiectasia. Identifiers: Orphanet 100, MedGen C0004135, MONDO:0008840, OMIM 208900.

Allele frequency attached by ClinVar (database versions not stated): gnomAD exomes below 0.00001 and 0.00001.
gnomAD v4.1: 2 of 1,613,782 alleles (0.00012%); highest among the groups gnomAD compares: Admixed American, 0.0033%; no homozygotes.

Submissions (4):

Ambry Genetics
Classification: Uncertain significance for Hereditary cancer-predisposing syndrome. Last evaluated: 2025-10-21. Review status: criteria provided, single submitter. Criteria: Ambry Variant Classification Scheme 2023. Collection method: clinical testing. Allele origin: germline.
Comment: The p.T1711S variant (also known as c.5132C>G), located in coding exon 33 of the ATM gene, results from a C to G substitution at nucleotide position 5132. The threonine at codon 1711 is replaced by serine, an amino acid with similar properties. This amino acid position is not well conserved in available vertebrate species. In addition, this alteration is predicted to be tolerated by in silico analysis. Since supporting evidence is limited at this time, the clinical significance of this alteration remains unclear.

Labcorp Genetics (formerly Invitae), Labcorp
Classification: Uncertain significance for Ataxia-telangiectasia syndrome. Last evaluated: 2024-09-30. Review status: criteria provided, single submitter. Criteria: Invitae Variant Classification Sherloc (09022015). Collection method: clinical testing. Allele origin: germline.
Comment: This sequence change replaces threonine, which is neutral and polar, with serine, which is neutral and polar, at codon 1711 of the ATM protein (p.Thr1711Ser). This variant is present in population databases (no rsID available, gnomAD 0.006%). This variant has not been reported in the literature in individuals affected with ATM-related conditions. ClinVar contains an entry for this variant (Variation ID: 579076). An algorithm developed to predict the effect of missense changes on protein structure and function (PolyPhen-2) suggests that this variant is likely to be tolerated. In summary, the available evidence is currently insufficient to determine the role of this variant in disease. Therefore, it has been classified as a Variant of Uncertain Significance.

Baylor Genetics
Classification: Uncertain significance for Familial cancer of breast. Last evaluated: 2024-01-03. Review status: criteria provided, single submitter. Criteria: ACMG Guidelines, 2015. Collection method: clinical testing. Allele origin: unknown.

Color Diagnostics, LLC DBA Color Health
Classification: Uncertain significance for Hereditary cancer-predisposing syndrome. Last evaluated: 2023-12-05. Review status: criteria provided, single submitter. Criteria: ACMG Guidelines, 2015. Collection method: clinical testing. Allele origin: germline.
Comment: This missense variant replaces threonine with serine at codon 1711 of the ATM protein. Computational prediction suggests that this variant may not impact protein structure and function (internally defined REVEL score threshold <= 0.5, PMID: 27666373). To our knowledge, functional studies have not been reported for this variant. This variant has not been reported in individuals affected with ATM-related disorders in the literature. This variant has been identified in 2/251134 chromosomes in the general population by the Genome Aggregation Database (gnomAD). The available evidence is insufficient to determine the role of this variant in disease conclusively. Therefore, this variant is classified as a Variant of Uncertain Significance.

NM_000051.4(ATM):c.5132C>G (p.Thr1711Ser)

Gene: ATM (ATM serine/threonine kinase; plus strand). Cytogenetic location: 11q22.3.
Variant type: single nucleotide variant.
Coding change: c.5132C>G on transcript NM_000051.4 (MANE Select); coding-DNA position 5132, C replaced by G.
Protein change: p.Thr1711Ser; replaces threonine 1711 with serine.
Molecular consequence: missense variant.
Genome position (GRCh38, 1-based): chr11:108,299,840, C>G. VCF-style: chr11-108299840-C-G. GRCh37 (hg19) VCF-style: chr11-108170567-C-G.
Other names: c.5132C>G, p.Thr1711Ser (NM_001351834.2); short protein forms T1711S.
Identifiers: ClinVar variation 579076 (VCV000579076.16), dbSNP rs1291016764, ClinGen allele CA382540927.
Genomic context (GRCh38, chr11:108,299,840, plus strand): 5'-GTAAAGATGCATCTTATACCAAGGCCCTTAAGTTATTTGAAGATAAAGAACTTCAGTGGA[C>G]CTTCATAATGCTGACCTACCTGAATAACACACTGGTAGAAGATTGGTGAGTATTTATTGA-3'
Protein context (NP_000042.3, residues 1701-1721): KLFEDKELQW[Thr1711Ser]FIMLTYLNNT